The following is an entry in ClinVar:

ClinVar aggregate classification (germline): Pathogenic/Likely pathogenic. Review status: criteria provided, multiple submitters, no conflicts (2 of 4 stars). 2 submissions from 2 submitters: Pathogenic (1); Likely pathogenic (1). Last evaluated 2019-08-26.

Conditions:
TP63-Related Spectrum Disorders.
Ectrodactyly, ectodermal dysplasia, and cleft lip-palate syndrome 3. Also called: Ectrodactyly, Ectodermal Dysplasia, Clefting Syndrome Type 3 (EEC3); Ectrodactyly, Ectodermal Dysplasia, Cleft Lip/Palate Syndrome 3 (EEC3); Ectrodactyly, Ectodermal Dysplasia, Clefting Syndrome; EEC SYNDROME 3. Identifiers: Orphanet 1896, MedGen C1858562, MONDO:0011428, OMIM 604292.

Submissions (2):

HudsonAlpha Institute for Biotechnology
Classification: Likely pathogenic for Ectrodactyly, ectodermal dysplasia, and cleft lip-palate syndrome 3. Last evaluated: 2019-08-26. Review status: criteria provided, single submitter. Criteria: ACMG Guidelines, 2015. Collection method: research. Allele origin: unknown. Affected: yes. Observed: 1 variant allele. Study: CSER-SouthSeq.
Comment: ACMG codes: PS4M, PM2, PP3, PP5

Labcorp Genetics (formerly Invitae), Labcorp
Classification: Pathogenic. Last evaluated: 2019-03-13. Review status: criteria provided, single submitter. Criteria: Invitae Variant Classification Sherloc (09022015). Collection method: clinical testing. Allele origin: germline.
Comment: This sequence change replaces histidine with tyrosine at codon 247 of the TP63 protein (p.His247Tyr). The histidine residue is highly conserved and there is a moderate physicochemical difference between histidine and tyrosine. This variant is not present in population databases (ExAC no frequency). This variant has been reported in several individuals affected with ectodermal dysplasia, and has been observed to be de novo in at least one individual (PMID:¬†16691622, Invitae).¬†ClinVar contains an entry for this variant (Variation ID: 478110). Algorithms developed to predict the effect of missense changes on protein structure and function are either unavailable or do not agree on the potential impact of this missense change (SIFT: "Deleterious"; PolyPhen-2: "Probably Damaging"; Align-GVGD: "Class C0"). For these reasons, this variant has been classified as Pathogenic.

NM_003722.5(TP63):c.739C>T (p.His247Tyr)

Gene: TP63 (tumor protein p63; plus strand). Cytogenetic location: 3q28.
Variant type: single nucleotide variant.
Coding change: c.739C>T on transcript NM_003722.5 (MANE Select); coding-DNA position 739, C replaced by T.
Protein change: p.His247Tyr; replaces histidine 247 with tyrosine.
Molecular consequence: missense variant.
Genome position (GRCh38, 1-based): chr3:189,864,391, C>T. VCF-style: chr3-189864391-C-T. GRCh37 (hg19) VCF-style: chr3-189582180-C-T.
Other names: c.739C>T, p.His247Tyr (NM_001114978.2, NM_001114979.2, NM_001329144.2 and 1 more transcripts); c.457C>T, p.His153Tyr (NM_001114980.2, NM_001114981.2, NM_001114982.2 and 2 more transcripts); c.202C>T, p.His68Tyr (NM_001329146.2, NM_001329150.2); c.733C>T, p.His245Tyr (NM_001329964.2); short protein forms H247Y, H153Y, H245Y, H68Y.
Identifiers: ClinVar variation 478110 (VCV000478110.8), dbSNP rs1553856553, ClinGen allele CA355753773.